The following is an entry in ClinVar:

ClinVar aggregate classification (germline): Likely pathogenic (1 of 4 stars; one submission).

Conditions:
Cardiovascular phenotype. Identifiers: MedGen CN230736.

Submission:

Ambry Genetics
Classification: Likely pathogenic for Cardiovascular phenotype. Last evaluated: 2026-09-04. Review status: criteria provided, single submitter. Criteria: Ambry Variant Classification Scheme 2023. Collection method: clinical testing. Allele origin: germline.
Comment: The c.66009_66012dupAAAA variant, located in coding exon 166 of the TTN gene, results from a duplication of AAAA at nucleotide position 66009, causing a translational frameshift with a predicted alternate stop codon (p.C22005Kfs*11). This exon is located in the A-band region of the N2-B isoform of the titin protein and is constitutively expressed in TTN transcripts (percent spliced in or PSI 100%). This variant is considered to be rare based on population cohorts in the Genome Aggregation Database (gnomAD). This variant is expected to result in loss of function by premature protein truncation or nonsense-mediated mRNA decay. While truncating variants in TTN are present in 1-3% of the general population, truncating variants in the A-band are the most common cause of dilated cardiomyopathy (Herman DS et al. N. Engl. J. Med., 2012 Feb;366:619-28; Roberts AM et al. Sci Transl Med, 2015 Jan;7:270ra6). TTN truncating variants encoded in constitutive exons (PSI >90%) have been found to be significantly associated with DCM regardless of their position in titin (Schafer S et al. Nat. Genet., 2017 01;49:46-53; Akhtar MM et al. Circ Heart Fail, 2020 Oct;13:e006832; Massier M et al. Clin Genet, 2025 Jan). Based on the majority of available evidence to date, this variant is likely to be pathogenic.

NM_001267550.2(TTN):c.93204_93207dup (p.Cys31070fs)

Genes: TTN (titin; minus strand), TTN-AS1 (TTN antisense RNA 1; plus strand). Cytogenetic location: 2q31.2.
Variant type: Duplication.
Coding change: c.93204_93207dup on transcript NM_001267550.2 (MANE Select); coding-DNA positions 93204 to 93207, 4 bases duplicated (AAAA; older notation c.93204_93207dupAAAA).
Protein change: p.Cys31070fs; shifts the reading frame from cysteine 31070.
Molecular consequence: frameshift variant.
Genome position (GRCh38, 1-based): chr2:178,548,419-178,548,422, TTTT duplicated on the plus strand (AAAA on the coding strand, the reverse complement: TTN is on the minus strand); duplicating any 4 consecutive bases within chr2:178,548,419-178,548,423 gives the same sequence; the c. name uses the placement nearest the transcript's 3' end. VCF-style (leftmost placement, unchanged base first): chr2-178548418-A-ATTTT. GRCh37 (hg19) VCF-style: chr2-179413145-A-ATTTT.
Other names: c.88281_88284dup, p.Cys29429fs (NM_001256850.1); c.66009_66012dup, p.Cys22005fs (NM_003319.4); c.85500_85503dup, p.Cys28502fs (NM_133378.4); c.66384_66387dup, p.Cys22130fs (NM_133432.3); c.66585_66588dup, p.Cys22197fs (NM_133437.4); c.66009_66012dupAAAA (NM_003319.4); short protein forms C22005fs, C28502fs, C22130fs, C22197fs, C29429fs, C31070fs.
Identifiers: ClinVar variation 5031495 (VCV005031495.1).
Genomic context (GRCh38, chr2:178,548,418, plus strand): 5'-CACGGAAATAGTACGGAACACCTTCGGCCAGGTCATTGACCTTGAAGATCTGACGAGTGC[A>ATTTT]TTTTTCACTGATAACCTGCCAACTACGGCGACTTGCCTCTCGTTTCTCTACCACATAATG-3'